The following is an entry in ClinVar:

NM_001384474.1(LOXHD1):c.3960T>A (p.Ala1320=)

Gene: LOXHD1 (lipoxygenase homology PLAT domains 1; minus strand). Cytogenetic location: 18q21.1.
Variant type: single nucleotide variant.
Coding change: c.3960T>A on transcript NM_001384474.1 (MANE Select); coding-DNA position 3960, T replaced by A.
Protein change: p.Ala1320=; no amino-acid change (alanine 1320 retained).
Molecular consequence: synonymous variant.
Genome position (GRCh38, 1-based): chr18:46,538,291, A>T on the plus strand (T>A on the coding strand, the complement: LOXHD1 is on the minus strand). VCF-style: chr18-46538291-A-T. GRCh37 (hg19) VCF-style: chr18-44118254-A-T.
Other names: c.627T>A, p.Ala209= (NM_001145472.3); c.339T>A, p.Ala113= (NM_001308013.2); c.3960T>A, p.Ala1320= (NM_144612.7).
Identifiers: ClinVar variation 1989138 (VCV001989138.4), dbSNP rs2036403777, ClinGen allele CA503809874.

ClinVar aggregate classification (germline): Uncertain significance (1 of 4 stars; one submission).

Allele frequency attached by ClinVar (database versions not stated): gnomAD exomes below 0.00001; TOPMed below 0.00001.
gnomAD v4.1: 1 of 1,551,582 alleles (0.000064%); highest among the groups gnomAD compares: Non-Finnish European, 0.000087%; no homozygotes.

Submission:

Labcorp Genetics (formerly Invitae), Labcorp
Classification: Uncertain significance. Last evaluated: 2022-02-06. Review status: criteria provided, single submitter. Criteria: Invitae Variant Classification Sherloc (09022015). Collection method: clinical testing. Allele origin: germline.
Comment: This sequence change affects codon 1320 of the LOXHD1 mRNA. It is a 'silent' change, meaning that it does not change the encoded amino acid sequence of the LOXHD1 protein. This variant is not present in population databases (gnomAD no frequency). This variant has not been reported in the literature in individuals affected with LOXHD1-related conditions. Algorithms developed to predict the effect of sequence changes on RNA splicing suggest that this variant may create or strengthen a splice site. In summary, the available evidence is currently insufficient to determine the role of this variant in disease. Therefore, it has been classified as a Variant of Uncertain Significance.